The following is an entry in ClinVar:

NM_003151.4(STAT4):c.829G>C (p.Glu277Gln)

Gene: STAT4 (signal transducer and activator of transcription 4; minus strand). Cytogenetic location: 2q32.2.
Variant type: single nucleotide variant.
Coding change: c.829G>C on transcript NM_003151.4 (MANE Select); coding-DNA position 829, G replaced by C.
Protein change: p.Glu277Gln; replaces glutamic acid 277 with glutamine.
Molecular consequence: missense variant.
Genome position (GRCh38, 1-based): chr2:191,062,874, C>G on the plus strand (G>C on the coding strand, the complement: STAT4 is on the minus strand). VCF-style: chr2-191062874-C-G. GRCh37 (hg19) VCF-style: chr2-191927600-C-G.
Other names: c.829G>C, p.Glu277Gln (NM_001243835.2); short protein forms E277Q.
Identifiers: ClinVar variation 1948031 (VCV001948031.5), dbSNP rs1309147163, ClinGen allele CA349915982.

ClinVar aggregate classification (germline): Uncertain significance (1 of 4 stars; one submission).

Allele frequency attached by ClinVar (database versions not stated): TOPMed 0.00001; gnomAD exomes below 0.00001; gnomAD 0.00001.
gnomAD v4.1: 6 of 1,613,760 alleles (0.00037%); highest among the groups gnomAD compares: Non-Finnish European, 0.00051%; no homozygotes.

Submission:

Labcorp Genetics (formerly Invitae), Labcorp
Classification: Uncertain significance. Last evaluated: 2024-12-08. Review status: criteria provided, single submitter. Criteria: Invitae Variant Classification Sherloc (09022015). Collection method: clinical testing. Allele origin: germline.
Comment: This sequence change replaces glutamic acid, which is acidic and polar, with glutamine, which is neutral and polar, at codon 277 of the STAT4 protein (p.Glu277Gln). This variant is not present in population databases (gnomAD no frequency). This variant has not been reported in the literature in individuals affected with STAT4-related conditions. ClinVar contains an entry for this variant (Variation ID: 1948031). Invitae Evidence Modeling of protein sequence and biophysical properties (such as structural, functional, and spatial information, amino acid conservation, physicochemical variation, residue mobility, and thermodynamic stability) indicates that this missense variant is not expected to disrupt STAT4 protein function with a negative predictive value of 80%. In summary, the available evidence is currently insufficient to determine the role of this variant in disease. Therefore, it has been classified as a Variant of Uncertain Significance.